The following is an entry in ClinVar:

NM_004614.5(TK2):c.157-2A>G

Gene: TK2 (thymidine kinase 2; minus strand). Cytogenetic location: 16q21.
Variant type: single nucleotide variant.
Coding change: c.157-2A>G on transcript NM_004614.5 (MANE Select); the canonical splice acceptor site of the intron before coding-DNA position 157, A replaced by G.
Molecular consequence: splice acceptor variant. On other transcripts: intron variant (1).
Genome position (GRCh38, 1-based): chr16:66,541,955, T>C on the plus strand (A>G on the coding strand, the complement: TK2 is on the minus strand). VCF-style: chr16-66541955-T-C. GRCh37 (hg19) VCF-style: chr16-66575858-T-C.
Other names: c.157-2A>G (NM_004614.4, NM_001172645.2); c.64-2A>G (NM_001271935.1, NM_001172643.1); c.157-4938A>G (NM_001172644.2); c.10-2A>G (NM_001271934.2); c.-135-2A>G (NM_001272050.2).
Identifiers: ClinVar variation 2736366 (VCV002736366.5), dbSNP rs2507184447, ClinGen allele CA396192733.

ClinVar aggregate classification (germline): Pathogenic/Likely pathogenic. Review status: criteria provided, multiple submitters, no conflicts (2 of 4 stars). 2 submissions from 2 submitters: Pathogenic (1); Likely pathogenic (1). Last evaluated 2025-11-24.

Conditions:
Mitochondrial disease. Also called: Mitochondrial disorders; Mitochondrial disorder. Identifiers: Orphanet 68380, MedGen C0751651, MeSH D028361, MONDO:0044970.

Submissions (2):

Genomenon, Inc
Classification: Pathogenic for Mitochondrial disease. Last evaluated: 2025-11-24. Review status: criteria provided, single submitter. Criteria: Genomenon Sequence Variant Interpretation Standards - Updated. Collection method: curation. Allele origin: germline. Affected: yes.
Comment: TK2 c.157-2A>G is a canonical splice variant located in the acceptor splice region of intron 2. It is predicted to affect mRNA splicing, leading to a deleterious effect on the TK2 protein. This variant has been observed in a proband affected with mitochondrial disease in the compound heterozygous state (23932787). This variant is not present at a significant frequency in gnomAD. In conclusion, we classify TK2 c.157-2A>G as a pathogenic variant.

Labcorp Genetics (formerly Invitae), Labcorp
Classification: Likely pathogenic. Last evaluated: 2024-01-25. Review status: criteria provided, single submitter. Criteria: Invitae Variant Classification Sherloc (09022015). Collection method: clinical testing. Allele origin: germline.
Comment: This sequence change affects an acceptor splice site in intron 2 of the TK2 gene. It is expected to disrupt RNA splicing. Variants that disrupt the donor or acceptor splice site typically lead to a loss of protein function (PMID: 16199547), and loss-of-function variants in TK2 are known to be pathogenic (PMID: 20421844). This variant is not present in population databases (gnomAD no frequency). Disruption of this splice site has been observed in individual(s) with mitochondrial DNA depletion syndrome 2 (PMID: 23932787). Algorithms developed to predict the effect of sequence changes on RNA splicing suggest that this variant may disrupt the consensus splice site. In summary, the currently available evidence indicates that the variant is pathogenic, but additional data are needed to prove that conclusively. Therefore, this variant has been classified as Likely Pathogenic.

Literature cited by the submitters: PubMed 23932787 (cited by Genomenon, Inc and Labcorp Genetics (formerly Invitae), Labcorp); PubMed 16199547 (cited by Labcorp Genetics (formerly Invitae), Labcorp); PubMed 20421844 (cited by Labcorp Genetics (formerly Invitae), Labcorp).